The following is an entry in ClinVar:

NM_031433.4(MFRP):c.443T>G (p.Leu148Arg)

Genes: C1QTNF5 (C1q and TNF related 5; minus strand), MFRP (membrane frizzled-related protein; minus strand). Cytogenetic location: 11q23.3.
Variant type: single nucleotide variant.
Coding change: c.443T>G on transcript NM_031433.4 (MANE Select); coding-DNA position 443, T replaced by G.
Protein change: p.Leu148Arg; replaces leucine 148 with arginine.
Molecular consequence: missense variant. On other transcripts: 5 prime UTR variant (1).
Genome position (GRCh38, 1-based): chr11:119,345,618, A>C on the plus strand (T>G on the coding strand, the complement: MFRP is on the minus strand). VCF-style: chr11-119345618-A-C. GRCh37 (hg19) VCF-style: chr11-119216328-A-C.
Other names: c.-2194T>G (NM_015645.5); short protein forms L148R.
Identifiers: ClinVar variation 2102929 (VCV002102929.4), dbSNP rs771679553, ClinGen allele CA382978568.

ClinVar aggregate classification (germline): Uncertain significance (1 of 4 stars; one submission).

Conditions:
Isolated microphthalmia 5. Also called: Posterior Microphthalmia with Retinitis Pigmentosa, Foveoschisis, and Optic Disc Drusen. Identifiers: Orphanet 251279, MedGen C1970236, MONDO:0012605, OMIM 611040.

Submission:

Labcorp Genetics (formerly Invitae), Labcorp
Classification: Uncertain significance for Isolated microphthalmia 5. Last evaluated: 2023-07-07. Review status: criteria provided, single submitter. Criteria: Invitae Variant Classification Sherloc (09022015). Collection method: clinical testing. Allele origin: germline.
Comment: In summary, the available evidence is currently insufficient to determine the role of this variant in disease. Therefore, it has been classified as a Variant of Uncertain Significance. Advanced modeling of protein sequence and biophysical properties (such as structural, functional, and spatial information, amino acid conservation, physicochemical variation, residue mobility, and thermodynamic stability) performed at Invitae indicates that this missense variant is expected to disrupt MFRP protein function. ClinVar contains an entry for this variant (Variation ID: 2102929). This variant has not been reported in the literature in individuals affected with MFRP-related conditions. This variant is not present in population databases (gnomAD no frequency). This sequence change replaces leucine, which is neutral and non-polar, with arginine, which is basic and polar, at codon 148 of the MFRP protein (p.Leu148Arg).